The following is an entry in ClinVar:

ClinVar aggregate classification (germline): Uncertain significance (1 of 4 stars; one submission).

Conditions:
Inborn genetic diseases. Identifiers: MedGen C0950123, MeSH D030342.

gnomAD v4.1: 3 of 1,613,692 alleles (0.00019%); highest among the groups gnomAD compares: Non-Finnish European, 0.00025%; no homozygotes.

Submission:

Ambry Genetics
Classification: Uncertain significance for Inborn genetic diseases. Last evaluated: 2024-11-26. Review status: criteria provided, single submitter. Criteria: Ambry Variant Classification Scheme 2023. Collection method: clinical testing. Allele origin: germline.
Comment: The p.E807D variant (also known as c.2421A>C), located in coding exon 1 of the SAMD9L gene, results from an A to C substitution at nucleotide position 2421. The glutamic acid at codon 807 is replaced by aspartic acid, an amino acid with highly similar properties. This amino acid position is conserved. In addition, this alteration is predicted to be tolerated by in silico analysis. Based on the available evidence, the clinical significance of this variant remains unclear.

NM_152703.5(SAMD9L):c.2421A>C (p.Glu807Asp)

Gene: SAMD9L (sterile alpha motif domain containing 9 like; minus strand). Cytogenetic location: 7q21.2.
Variant type: single nucleotide variant.
Coding change: c.2421A>C on transcript NM_152703.5 (MANE Select); coding-DNA position 2421, A replaced by C.
Protein change: p.Glu807Asp; replaces glutamic acid 807 with aspartic acid.
Molecular consequence: missense variant.
Genome position (GRCh38, 1-based): chr7:93,133,551, T>G on the plus strand (A>C on the coding strand, the complement: SAMD9L is on the minus strand). VCF-style: chr7-93133551-T-G. GRCh37 (hg19) VCF-style: chr7-92762864-T-G.
Other names: c.2421A>C, p.Glu807Asp (NM_001303500.3, NM_001350082.2, NM_001350083.2 and 5 more transcripts); short protein forms E807D.
Identifiers: ClinVar variation 3437184 (VCV003437184.1).